The following is an entry in ClinVar:

ClinVar aggregate classification (germline): Uncertain significance (1 of 4 stars; one submission).

Conditions:
Early-infantile DEE. Also called: Early infantile epileptic encephalopathy with suppression bursts; Early infantile epileptic encephalopathy; Ohtahara syndrome. Identifiers: Orphanet 1934, MedGen C0393706, MONDO:0800491.

Allele frequency attached by ClinVar (database versions not stated): TOPMed below 0.00001; gnomAD 0.00001.

Submission:

Labcorp Genetics (formerly Invitae), Labcorp
Classification: Uncertain significance for Early-infantile DEE. Last evaluated: 2021-09-26. Review status: criteria provided, single submitter. Criteria: Invitae Variant Classification Sherloc (09022015). Collection method: clinical testing. Allele origin: germline.
Comment: In summary, the available evidence is currently insufficient to determine the role of this variant in disease. Therefore, it has been classified as a Variant of Uncertain Significance. Algorithms developed to predict the effect of missense changes on protein structure and function are either unavailable or do not agree on the potential impact of this missense change (SIFT: "Deleterious"; PolyPhen-2: "Benign"; Align-GVGD: "Class C0"). This variant has not been reported in the literature in individuals affected with SLC25A22-related conditions. This variant is not present in population databases (ExAC no frequency). This sequence change replaces glutamine with arginine at codon 257 of the SLC25A22 protein (p.Gln257Arg). The glutamine residue is moderately conserved and there is a small physicochemical difference between glutamine and arginine.

NM_001191061.2(SLC25A22):c.770A>G (p.Gln257Arg)

Gene: SLC25A22 (solute carrier family 25 member 22; minus strand). Cytogenetic location: 11p15.5.
Variant type: single nucleotide variant.
Coding change: c.770A>G on transcript NM_001191061.2 (MANE Select); coding-DNA position 770, A replaced by G.
Protein change: p.Gln257Arg; replaces glutamine 257 with arginine.
Molecular consequence: missense variant.
Genome position (GRCh38, 1-based): chr11:792,190, T>C on the plus strand (A>G on the coding strand, the complement: SLC25A22 is on the minus strand). VCF-style: chr11-792190-T-C. GRCh37 (hg19) VCF-style: chr11-792190-T-C.
Other names: c.770A>G, p.Gln257Arg (NM_024698.6, NM_001191060.2); short protein forms Q257R.
Identifiers: ClinVar variation 1383504 (VCV001383504.7), dbSNP rs1384185673, ClinGen allele CA378967827.
Genomic context (GRCh38, chr11:792,190, plus strand): 5'-GGACCTCCCCACCTGGCACAGTCCAGGATCCCAGAGTAGGTGTCCTCGTTGACGCCTCGC[T>C]GAAGTGACTGGAGCCGCGTCTTCACCACTGCAAGGGGCGCTCGGGTCAGTGTGAGCCTGG-3'
Protein context (NP_001177990.1, residues 247-267): DVVKTRLQSL[Gln257Arg]RGVNEDTYSG